The following is an entry in ClinVar:

ClinVar aggregate classification (germline): Pathogenic/Likely pathogenic. Review status: criteria provided, multiple submitters, no conflicts (2 of 4 stars). 11 submissions from 11 submitters: Pathogenic (8); Likely pathogenic (1). 2 of the submissions do not count toward it. Last evaluated 2026-01-07.

Conditions:
IVD-related disorder. Also called: IVD-related condition.
Isovaleryl-CoA dehydrogenase deficiency (IVA). Also called: ISOVALERIC ACID CoA DEHYDROGENASE DEFICIENCY; Classic Isovaleric Acidemia; IVD DEFICIENCY; Isovaleric acidemia. Identifiers: Orphanet 33, MedGen C0268575, MONDO:0009475, OMIM 243500.

Allele frequency attached by ClinVar (database versions not stated): TOPMed 0.00002.
gnomAD v4.1: 41 of 1,613,942 alleles (0.0025%); highest among the groups gnomAD compares: Admixed American, 0.005%; no homozygotes.

Submissions (11):

Labcorp Genetics (formerly Invitae), Labcorp
Classification: Pathogenic for Isovaleryl-CoA dehydrogenase deficiency. Last evaluated: 2026-01-07. Review status: criteria provided, single submitter. Criteria: Invitae Variant Classification Sherloc (09022015). Collection method: clinical testing. Allele origin: germline.
Comment: This sequence change replaces arginine, which is basic and polar, with proline, which is neutral and non-polar, at codon 53 of the IVD protein (p.Arg53Pro). This variant is present in population databases (rs2229311, gnomAD 0.009%). This missense change has been observed in individuals with isovaleric acidemia (PMID: 9665741, 26018748, 27904153). This variant is also known as p.Arg21Pro. ClinVar contains an entry for this variant (Variation ID: 188922). An algorithm developed to predict the effect of missense changes on protein structure and function (PolyPhen-2) suggests that this variant is likely to be disruptive. Experimental studies have shown that this missense change affects IVD function (PMID: 9665741). This variant disrupts the p.Arg53 amino acid residue in IVD. Other variant(s) that disrupt this residue have been determined to be pathogenic (PMID: 10677295). This suggests that this residue is clinically significant, and that variants that disrupt this residue are likely to be disease-causing. For these reasons, this variant has been classified as Pathogenic.

Natera, Inc.
Classification: Pathogenic for Isovaleryl-coa dehydrogenase deficiency. Last evaluated: 2025-12-14. Review status: criteria provided, single submitter. Criteria: Natera Variant Classification Schema (03/2026). Collection method: clinical testing. Allele origin: germline.
Comment: The c.158G>C variant in IVD is a missense variant predicted to cause substitution of arginine to proline at amino acid 53. This variant is rare in the general population with a frequency below the threshold expected for the associated phenotype(s). This variant has been observed in one or more individuals affected with the associated recessive disease, as either homozygous or compound heterozygous with a second variant (PMID: 34671977, 27904153, 31707166). Given the available evidence, this variant is classified as Pathogenic.

3billion
Classification: Pathogenic for Isovaleryl-CoA dehydrogenase deficiency. Last evaluated: 2025-06-17. Review status: criteria provided, single submitter. Criteria: ACMG Guidelines, 2015. Collection method: clinical testing. Allele origin: germline. Affected: yes.
Comment: The variant is observed at an extremely low frequency in the gnomAD v4.1.0 dataset (total allele frequency: 0.003%). Predicted Consequence/Location: Missense variant Functional studies provide strong evidence of the variant having a damaging effect on the gene or gene product (PMID: 9665741). In silico tool predictions suggest damaging effect of the variant on gene or gene product [REVEL: 0.96 (>=0.6, sensitivity 0.68 and specificity 0.92); 3Cnet: 0.99 (> 0.75, sensitivity 0.96 and precision 0.92)]. The same nucleotide change resulting in the same amino acid change has been previously reported as pathogenic/likely pathogenic with strong evidence (ClinVar ID: VCV000188922 /PMID: 9665741 /3billion dataset). Different missense changes at the same codon (p.Arg50Cys, p.Arg50His, p.Arg50Leu) have been reported as pathogenic/likely pathogenic with strong evidence (ClinVar ID: VCV000003567, VCV000370843, VCV002440925 /PMID: 10677295, 15486829, 17576084, 26990548). Therefore, this variant is classified as Pathogenic according to the recommendation of ACMG/AMP guideline.

Baylor Genetics
Classification: Pathogenic for Isovaleryl-CoA dehydrogenase deficiency. Last evaluated: 2024-03-25. Review status: criteria provided, single submitter. Criteria: ACMG Guidelines, 2015. Collection method: clinical testing. Allele origin: unknown.

Women's Health and Genetics/Laboratory Corporation of America, LabCorp
Classification: Pathogenic for Isovaleryl-CoA dehydrogenase deficiency. Last evaluated: 2023-09-27. Review status: criteria provided, single submitter. Criteria: LabCorp Variant Classification Summary - May 2015. Collection method: clinical testing. Allele origin: germline.
Comment: Variant summary: IVD c.149G>C (p.Arg50Pro) results in a non-conservative amino acid change in the encoded protein sequence. Five of five in-silico tools predict a damaging effect of the variant on protein function. The variant allele was found at a frequency of 1.6e-05 in 251478 control chromosomes (gnomAD). c.149G>C has been reported in the literature in individuals affected with Isovaleryl-CoA Dehydrogenase Deficiency (examples: Mohsen_1998, Ensenauer_2004, and Couce_2017). These data indicate that the variant is likely to be associated with disease. At least one publication reports experimental evidence evaluating an impact on protein function. The most pronounced variant effect results in <10% of normal activity (Mohsen_1998). The following publications have been ascertained in the context of this evaluation (PMID: 27904153, 15486829, 9665741). Five submitters have cited clinical-significance assessments for this variant to ClinVar after 2014. All submitters classified the variant as pathogenic/likely pathogenic. Based on the evidence outlined above, the variant was classified as pathogenic.

Fulgent Genetics
Classification: Pathogenic for Isovaleryl-CoA dehydrogenase deficiency. Last evaluated: 2021-09-29. Review status: criteria provided, single submitter. Criteria: ACMG Guidelines, 2015. Collection method: clinical testing. Allele origin: unknown.

Genomic Research Center, Shahid Beheshti University of Medical Sciences
Classification: Likely pathogenic. Last evaluated: 2020-05-03. Review status: criteria provided, single submitter. Criteria: ACMG Guidelines, 2015. Collection method: clinical testing. Allele origin: unknown. Affected: no.

CeGaT Center for Human Genetics Tuebingen
Classification: Pathogenic. Last evaluated: 2018-04-01. Review status: criteria provided, single submitter. Criteria: CeGaT Center For Human Genetics Tuebingen Variant Classification Criteria Version 2. Collection method: clinical testing. Allele origin: germline. Affected: yes. Observed: 1 variant allele.

Juno Genomics, Hangzhou Juno Genomics, Inc
Classification: Pathogenic for Isovaleryl-CoA dehydrogenase deficiency. Review status: criteria provided, single submitter. Criteria: ACMG Guidelines, 2015. Collection method: clinical testing. Allele origin: germline.
Comment: Absent from controls (or at extremely low frequency if recessive) in Genome Aggregation Database.;Multiple lines of computational evidence support a deleterious effect on the gene or gene product.;For recessive disorders, detected in trans with a pathogenic variant.;Patient's phenotype or family history is highly specific for a disease with a single genetic etiology.

PreventionGenetics, part of Exact Sciences
Classification: Pathogenic for IVD-related condition. Last evaluated: 2024-01-31. Review status: no assertion criteria provided. Collection method: clinical testing. Allele origin: germline. Not counted in ClinVar's aggregate classification.
Comment: The IVD c.158G>C variant is predicted to result in the amino acid substitution p.Arg53Pro. This variant, alternately described in the literature as Arg21Pro or c.149G>C, p.Arg50Pro, has been recurrently reported in patients with isovaleric acidemia and has been reported to impact protein function (Mohsen et al. 1998. PubMed ID: 9665741; Ensenauer et al. 2004. PubMed ID: 15486829; Sakamoto et al. 2015. PubMed ID: 26018748; Couce et al. 2016. PubMed ID: 27904153; D'Annibale et al. 2021. PubMed ID: 34535384; Mütze et al. 2021. PubMed ID: 33496032). Different substitutions of the same amino acid (p.Arg53Cys, p.Arg53His, p.Arg53Leu) have also been reported in isovaleric acidemia patients (Ensenauer et al. 2004. PubMed ID: 15486829; Lee et al. 2007. PubMed ID: 17576084; Li et al. 2019. PubMed ID: 31442447). This variant is reported in 0.0087% of alleles in individuals of Latino descent in gnomAD. This variant is interpreted as pathogenic.

Counsyl
Classification: Likely pathogenic for Isovaleryl-CoA dehydrogenase deficiency. Last evaluated: 2014-08-19. Review status: no assertion criteria provided. Collection method: literature only. Allele origin: unknown. Inheritance: Autosomal recessive inheritance. Not counted in ClinVar's aggregate classification.

Literature cited by the submitters: PubMed 9665741 (cited by 4 submitters); PubMed 26018748 (cited by Labcorp Genetics (formerly Invitae), Labcorp); PubMed 27904153 (cited by 3 submitters); PubMed 10677295 (cited by 3 submitters); PubMed 34671977 (cited by Natera, Inc.); PubMed 31707166 (cited by Natera, Inc.); PubMed 15486829 (cited by Women's Health and Genetics/Laboratory Corporation of America, LabCorp and Counsyl); PubMed 16825284 (cited by Counsyl).

NM_002225.5(IVD):c.149G>C (p.Arg50Pro)

Gene: IVD (isovaleryl-CoA dehydrogenase; plus strand). Cytogenetic location: 15q15.1.
Variant type: single nucleotide variant.
Coding change: c.149G>C on transcript NM_002225.5 (MANE Select); coding-DNA position 149, G replaced by C.
Protein change: p.Arg50Pro; replaces arginine 50 with proline.
Molecular consequence: missense variant. On other transcripts: non-coding transcript variant (1), intron variant (1).
Genome position (GRCh38, 1-based): chr15:40,407,640, G>C. VCF-style: chr15-40407640-G-C. GRCh37 (hg19) VCF-style: chr15-40699841-G-C.
Other names: c.101G>C, p.Arg34Pro (NM_001354597.3); c.149G>C, p.Arg50Pro (NM_001354598.3, NM_001354599.3, NM_001354600.3 and 1 more transcripts); c.145-299G>C (NM_001159508.3); short protein forms R50P, R34P.
Identifiers: ClinVar variation 188922 (VCV000188922.60), dbSNP rs2229311, ClinGen allele CA274129.